The following is an entry in ClinVar:

ClinVar aggregate classification (germline): Pathogenic (1 of 4 stars; one submission).

Submission:

Athena Diagnostics
Classification: Pathogenic. Last evaluated: 2022-03-15. Review status: criteria provided, single submitter. Criteria: Athena Diagnostics Criteria. Collection method: clinical testing. Allele origin: unknown.
Comment: This variant is expected to result in the loss of a functional protein. Similar deletions of exons 51-52 have been reported in multiple individuals described as having Duchenne muscular dystrophy (DMD), or in individuals where the type of dystrophinopathy was not specified. Similar variants have not been reported in large, multi-ethnic general populations.

Literature cited by the submitters: PubMed 23914114; PubMed 17259292; PubMed 10480348; PubMed 23685542; PubMed 27569545; PubMed 33644936; PubMed 2585468; PubMed 10619712; PubMed 26081009; PubMed 20847377; PubMed 29984652; PubMed 19367636; PubMed 33101180; PubMed 19084397; PubMed 29973226; PubMed 33238405; PubMed 28116794.

Single allele

Gene: DMD (dystrophin; minus strand). Cytogenetic location: Xp21.1.
Variant type: Deletion.
Identifiers: ClinVar variation 1807262 (VCV001807262.1).